The following is an entry in ClinVar:

ClinVar aggregate classification (germline): Conflicting classifications of pathogenicity. Review status: criteria provided, conflicting classifications (1 of 4 stars). 4 submissions from 4 submitters: Uncertain significance (2); Likely benign (2). Last evaluated 2026-05-01.

Conditions:
WARS1-related disorder. Also called: WARS1-related condition.
Inborn genetic diseases. Identifiers: MedGen C0950123, MeSH D030342.

Allele frequency attached by ClinVar (database versions not stated): ExAC 0.00007; TOPMed 0.00009; gnomAD 0.00011; ESP Exome Variant Server 0.00015; gnomAD exomes 0.00016; 1000 Genomes Project 0.00020; 1000 Genomes Project 30x 0.00031.
gnomAD v4.1: 268 of 1,614,108 alleles (0.017%); highest among the groups gnomAD compares: Non-Finnish European, 0.021%; no homozygotes.

Submissions (4):

CeGaT Center for Human Genetics Tuebingen
Classification: Likely benign. Last evaluated: 2026-05-01. Review status: criteria provided, single submitter. Criteria: CeGaT Center For Human Genetics Tuebingen Variant Classification Criteria Version 2. Collection method: clinical testing. Allele origin: germline. Affected: yes. Observed: 4 variant alleles.
Comment: WARS1: BP4

PreventionGenetics, part of Exact Sciences
Classification: Uncertain significance for WARS1-related condition. Last evaluated: 2025-10-27. Review status: criteria provided, single submitter. Criteria: ACMG Guidelines, 2015. Collection method: clinical testing. Allele origin: germline.
Comment: The WARS1 c.1297G>A variant is predicted to result in the amino acid substitution p.Ala433Thr. To our knowledge, this variant has not been reported in the literature. This variant is reported in 0.017% of alleles in individuals of European (non-Finnish) descent in gnomAD, which may be too frequent to be a primary cause of autosomal dominant disease. At this time, the clinical significance of this variant is uncertain due to the absence of conclusive functional and genetic evidence.

Women's Health and Genetics/Laboratory Corporation of America, LabCorp
Classification: Uncertain significance. Last evaluated: 2025-07-22. Review status: criteria provided, single submitter. Criteria: LabCorp Variant Classification Summary - May 2015. Collection method: clinical testing. Allele origin: germline.
Comment: Variant summary: WARS1 c.1297G>A (p.Ala433Thr) results in a non-conservative amino acid change in the encoded protein sequence. Algorithms developed to predict the effect of missense changes on protein structure and function are either unavailable or do not agree on the potential impact of this missense change. The variant allele was found at a frequency of 7.8e-05 in 280332 control chromosomes. This frequency is not significantly higher than estimated for a pathogenic variant in WARS1 causing Neurodevelopmental disorder with microcephaly and speech delay, with or without brain abnormalities (7.8e-05 vs 0.0011), allowing no conclusion about variant significance. To our knowledge, no occurrence of c.1297G>A in individuals affected with Neurodevelopmental disorder with microcephaly and speech delay, with or without brain abnormalities and no experimental evidence demonstrating its impact on protein function have been reported. ClinVar contains an entry for this variant (Variation ID: 2557277). Based on the evidence outlined above, the variant was classified as uncertain significance.

Ambry Genetics
Classification: Likely benign for Inborn genetic diseases. Last evaluated: 2023-04-25. Review status: criteria provided, single submitter. Criteria: Ambry Variant Classification Scheme 2023. Collection method: clinical testing. Allele origin: germline.

NM_004184.4(WARS1):c.1297G>A (p.Ala433Thr)

Gene: WARS1 (tryptophanyl-tRNA synthetase 1; minus strand). Cytogenetic location: 14q32.2.
Variant type: single nucleotide variant.
Coding change: c.1297G>A on transcript NM_004184.4 (MANE Select); coding-DNA position 1297, G replaced by A.
Protein change: p.Ala433Thr; replaces alanine 433 with threonine.
Molecular consequence: missense variant.
Genome position (GRCh38, 1-based): chr14:100,334,994, C>T on the plus strand (G>A on the coding strand, the complement: WARS1 is on the minus strand). VCF-style: chr14-100334994-C-T. GRCh37 (hg19) VCF-style: chr14-100801331-C-T.
Other names: c.1297G>A, p.Ala433Thr (NM_173701.2); c.1174G>A, p.Ala392Thr (NM_213645.2, NM_213646.2); short protein forms A392T, A433T.
Identifiers: ClinVar variation 2557277 (VCV002557277.17), dbSNP rs72713916, ClinGen allele CA7344999.
Genomic context (GRCh38, chr14:100,334,994, plus strand): 5'-TGACCTCCTTGCGCCGGGCCTGGTGCTCTGCGATCAAGGGCTGCAGAACCTCTATGAGTG[C>T]CTTCTTGAGCTCACCGGTGAGCATGGCTCCGCTGGTGTAATCCTGCCCGGAGGGAGACAG-3'
Protein context (NP_004175.2, residues 423-443): GAMLTGELKK[Ala433Thr]LIEVLQPLIA